The following is an entry in ClinVar:

NM_000238.4(KCNH2):c.3104_3107dup (p.Asp1037fs)

Gene: KCNH2 (potassium voltage-gated channel subfamily H member 2; minus strand). Cytogenetic location: 7q36.1.
Variant type: Duplication.
Coding change: c.3104_3107dup on transcript NM_000238.4 (MANE Select); coding-DNA positions 3104 to 3107, 4 bases duplicated (GGGG; older notation c.3104_3107dupGGGG).
Protein change: p.Asp1037fs; shifts the reading frame from aspartic acid 1037.
Molecular consequence: frameshift variant.
Genome position (GRCh38, 1-based): chr7:150,947,373-150,947,376, CCCC duplicated on the plus strand (GGGG on the coding strand, the reverse complement: KCNH2 is on the minus strand). VCF-style (leftmost placement, unchanged base first): chr7-150947372-G-GCCCC. GRCh37 (hg19) VCF-style: chr7-150644460-G-GCCCC.
Other names: c.2084_2087dup, p.Asp697fs (NM_172057.3); short protein forms D1037fs, D697fs.
Identifiers: ClinVar variation 200703 (VCV000200703.2), dbSNP rs794728469, ClinGen allele CA305337.

ClinVar aggregate classification (germline): Pathogenic (1 of 4 stars; one submission).

Submission:

GeneDx
Classification: Pathogenic. Last evaluated: 2013-03-20. Review status: criteria provided, single submitter. Criteria: GeneDx Variant Classification (06012015). Collection method: clinical testing. Allele origin: germline. Affected: yes.
Comment: Although the c.3104_3107dupGGGG variant in the KCNH2 gene has not been reported to our knowledge, this variant causes a shift in reading frame starting at codon Aspartic acid 1037, changing it to a Glycine, and creating a premature stop codon at position 83 of the new reading frame, denoted p.Asp1037GlyfsX83. This variant is expected to result in either an abnormal, truncated protein product or loss of protein from this allele through nonsense-mediated mRNA decay. Other frameshift variants in the KCNH2 gene have been reported in association with LQTS. In summary, c.3104_3107dupGGGG in the KCNH2 gene is interpreted as a pathogenic variant.